The following is an entry in ClinVar:

NM_000260.4(MYO7A):c.6228_6232del (p.Asp2076fs)

Gene: MYO7A (myosin VIIA; plus strand). Cytogenetic location: 11q13.5.
Variant type: Deletion.
Coding change: c.6228_6232del on transcript NM_000260.4 (MANE Select); coding-DNA positions 6228 to 6232, 5 bases deleted (CTGGA; older notation c.6228_6232delCTGGA).
Protein change: p.Asp2076fs; shifts the reading frame from aspartic acid 2076.
Molecular consequence: frameshift variant.
Genome position (GRCh38, 1-based): chr11:77,211,328-77,211,332, CTGGA deleted; deleting any 5 consecutive bases within chr11:77,211,326-77,211,332 gives the same sequence; the c. name uses the placement nearest the transcript's 3' end. VCF-style (leftmost placement, unchanged base first): chr11-77211325-TGACTG-T. GRCh37 (hg19) VCF-style: chr11-76922370-TGACTG-T.
Other names: c.6114_6118del, p.Asp2038fs (NM_001127180.2); c.6081_6085del, p.Asp2027fs (NM_001369365.1); c.6228_6232del (NM_000260.3); short protein forms D2038fs, D2027fs, D2076fs.
Identifiers: ClinVar variation 1454925 (VCV001454925.9), dbSNP rs2135785861, ClinGen allele CA2573147840.

ClinVar aggregate classification (germline): Pathogenic. Review status: criteria provided, multiple submitters, no conflicts (2 of 4 stars). 3 submissions from 3 submitters: Pathogenic (3). Last evaluated 2025-06-30.

Conditions:
Usher syndrome type 1B (USH1B). Also called: Usher syndrome type IB. Identifiers: MedGen C1848638, MONDO:0700087.
Autosomal recessive nonsyndromic hearing loss 2. Also called: DEAFNESS, AUTOSOMAL RECESSIVE 2; NEUROSENSORY NONSYNDROMIC RECESSIVE DEAFNESS 2. Identifiers: Orphanet 90636, MedGen C1838701, MONDO:0010807, OMIM 600060.
Usher syndrome type 1 (USH1). Also called: RETINITIS PIGMENTOSA AND CONGENITAL DEAFNESS. Identifiers: Orphanet 231169, Orphanet 886, MedGen C1568247, MONDO:0010168, OMIM 276900.
Autosomal dominant nonsyndromic hearing loss 11. Identifiers: Orphanet 90635, MedGen C1832475, MONDO:0011032, OMIM 601317.

Submissions (3):

Natera, Inc.
Classification: Pathogenic for Usher syndrome type 1B. Last evaluated: 2025-06-30. Review status: criteria provided, single submitter. Criteria: Natera Variant Classification Schema (03/2026). Collection method: clinical testing. Allele origin: germline.
Comment: The c.6228_6232del variant in MYO7A is a frameshift variant predicted to shift the reading frame beginning at codon 2076 and leads to a stop codon 50 codons downstream. This variant is expected to result in nonsense mediated decay, truncation, or a dysfunctional protein product. This variant is rare in the general population with a frequency below the threshold expected for the associated phenotype(s). This variant has been observed in one or more individuals affected with the associated recessive disease, as either homozygous or compound heterozygous with a second variant (PMID: 37217489, 34148116). Given the available evidence, this variant is classified as Pathogenic.

Fulgent Genetics
Classification: Pathogenic for Usher syndrome type 1; Autosomal recessive nonsyndromic hearing loss 2; Autosomal dominant nonsyndromic hearing loss 11. Last evaluated: 2024-06-10. Review status: criteria provided, single submitter. Criteria: ACMG Guidelines, 2015. Collection method: clinical testing. Allele origin: germline.

Labcorp Genetics (formerly Invitae), Labcorp
Classification: Pathogenic. Last evaluated: 2024-02-24. Review status: criteria provided, single submitter. Criteria: Invitae Variant Classification Sherloc (09022015). Collection method: clinical testing. Allele origin: germline.
Comment: This sequence change creates a premature translational stop signal (p.Asp2076Glufs*50) in the MYO7A gene. It is expected to result in an absent or disrupted protein product. Loss-of-function variants in MYO7A are known to be pathogenic (PMID: 8900236, 25404053). This variant is not present in population databases (gnomAD no frequency). This premature translational stop signal has been observed in individual(s) with autosomal recessive MYO7A-related conditions (PMID: 34148116). ClinVar contains an entry for this variant (Variation ID: 1454925). For these reasons, this variant has been classified as Pathogenic.

Literature cited by the submitters: PubMed 37217489 (cited by Natera, Inc.); PubMed 34148116 (cited by Natera, Inc. and Labcorp Genetics (formerly Invitae), Labcorp); PubMed 8900236 (cited by Labcorp Genetics (formerly Invitae), Labcorp); PubMed 25404053 (cited by Labcorp Genetics (formerly Invitae), Labcorp).